The following is an entry in ClinVar:

ClinVar aggregate classification (germline): Uncertain significance (1 of 4 stars; one submission).

Submission:

Labcorp Genetics (formerly Invitae), Labcorp
Classification: Uncertain significance. Last evaluated: 2024-08-08. Review status: criteria provided, single submitter. Criteria: Invitae Variant Classification Sherloc (09022015). Collection method: clinical testing. Allele origin: germline.
Comment: This sequence change replaces alanine, which is neutral and non-polar, with glycine, which is neutral and non-polar, at codon 258 of the SETBP1 protein (p.Ala258Gly). This variant is not present in population databases (gnomAD no frequency). This variant has not been reported in the literature in individuals affected with SETBP1-related conditions. Advanced modeling of protein sequence and biophysical properties (such as structural, functional, and spatial information, amino acid conservation, physicochemical variation, residue mobility, and thermodynamic stability) performed at Invitae indicates that this missense variant is not expected to disrupt SETBP1 protein function with a negative predictive value of 80%. In summary, the available evidence is currently insufficient to determine the role of this variant in disease. Therefore, it has been classified as a Variant of Uncertain Significance.

NM_015559.3(SETBP1):c.773C>G (p.Ala258Gly)

Gene: SETBP1 (SET binding protein 1; plus strand). Cytogenetic location: 18q12.3.
Variant type: single nucleotide variant.
Coding change: c.773C>G on transcript NM_015559.3 (MANE Select); coding-DNA position 773, C replaced by G.
Protein change: p.Ala258Gly; replaces alanine 258 with glycine.
Molecular consequence: missense variant.
Genome position (GRCh38, 1-based): chr18:44,950,113, C>G. VCF-style: chr18-44950113-C-G. GRCh37 (hg19) VCF-style: chr18-42530078-C-G.
Other names: c.773C>G, p.Ala258Gly (NM_001379141.1, NM_001379142.1, NM_001410862.1); short protein forms A258G.
Identifiers: ClinVar variation 3693716 (VCV003693716.2).